The following is an entry in ClinVar:

NM_003239.5(TGFB3):c.504C>T (p.Ile168=)

Gene: TGFB3 (transforming growth factor beta 3; minus strand). Cytogenetic location: 14q24.3.
Variant type: single nucleotide variant.
Coding change: c.504C>T on transcript NM_003239.5 (MANE Select); coding-DNA position 504, C replaced by T.
Protein change: p.Ile168=; no amino-acid change (isoleucine 168 retained).
Molecular consequence: synonymous variant.
Genome position (GRCh38, 1-based): chr14:75,971,567, G>A on the plus strand (C>T on the coding strand, the complement: TGFB3 is on the minus strand). VCF-style: chr14-75971567-G-A. GRCh37 (hg19) VCF-style: chr14-76437910-G-A.
Other names: c.504C>T (NM_003239.4); c.504C>T, p.Ile168= (NM_001329938.2, NM_001329939.2).
Identifiers: ClinVar variation 416064 (VCV000416064.25), dbSNP rs148029842, ClinGen allele CA7280438.

ClinVar aggregate classification (germline): Benign/Likely benign. Review status: criteria provided, multiple submitters, no conflicts (2 of 4 stars). 8 submissions from 8 submitters: Benign (1); Likely benign (6). 1 of the submissions does not count toward it. Last evaluated 2026-04-01.

Conditions:
TGFB3-related disorder. Also called: TGFB3-related condition.
Rienhoff syndrome. Also called: LOEYS-DIETZ SYNDROME 5. Identifiers: MedGen C3810012, MONDO:0014262, OMIM 615582.
Familial thoracic aortic aneurysm and aortic dissection (TAAD). Also called: Thoracic aortic aneurysms and dissections. Identifiers: Orphanet 91387, MedGen C4707243, MONDO:0019625.

Allele frequency attached by ClinVar (database versions not stated): gnomAD 0.00006 and 0.00007; TOPMed 0.00007; ESP Exome Variant Server 0.00031.
gnomAD v4.1: 194 of 1,614,156 alleles (0.012%); highest among the groups gnomAD compares: Non-Finnish European, 0.014%; no homozygotes.

Submissions (8):

CeGaT Center for Human Genetics Tuebingen
Classification: Likely benign. Last evaluated: 2026-04-01. Review status: criteria provided, single submitter. Criteria: CeGaT Center For Human Genetics Tuebingen Variant Classification Criteria Version 2. Collection method: clinical testing. Allele origin: germline. Affected: yes. Observed: 1 variant allele.
Comment: TGFB3: BP4, BP7

Labcorp Genetics (formerly Invitae), Labcorp
Classification: Likely benign for Rienhoff syndrome. Last evaluated: 2026-01-16. Review status: criteria provided, single submitter. Criteria: Invitae Variant Classification Sherloc (09022015). Collection method: clinical testing. Allele origin: germline.

Blueprint Genetics
Classification: Likely benign. Last evaluated: 2024-10-15. Review status: criteria provided, single submitter. Criteria: ACMG Guidelines, 2015. Collection method: clinical testing. Allele origin: germline.

Women's Health and Genetics/Laboratory Corporation of America, LabCorp
Classification: Benign. Last evaluated: 2023-12-10. Review status: criteria provided, single submitter. Criteria: LabCorp Variant Classification Summary - May 2015. Collection method: clinical testing. Allele origin: germline.

CHEO Genetics Diagnostic Laboratory, Children's Hospital of Eastern Ontario
Classification: Likely benign for Familial thoracic aortic aneurysm and aortic dissection. Last evaluated: 2023-01-03. Review status: criteria provided, single submitter. Criteria: ACMG Guidelines, 2015. Collection method: clinical testing. Allele origin: germline.

Ambry Genetics
Classification: Likely benign for Familial thoracic aortic aneurysm and aortic dissection. Last evaluated: 2022-02-21. Review status: criteria provided, single submitter. Criteria: Ambry Variant Classification Scheme 2023. Collection method: clinical testing. Allele origin: germline.

GeneDx
Classification: Likely benign. Last evaluated: 2020-08-24. Review status: criteria provided, single submitter. Criteria: GeneDx Variant Classification Process June 2021. Collection method: clinical testing. Allele origin: germline. Affected: yes.

PreventionGenetics, part of Exact Sciences
Classification: Likely benign for TGFB3-related condition. Last evaluated: 2019-08-20. Review status: no assertion criteria provided. Collection method: clinical testing. Allele origin: germline. Not counted in ClinVar's aggregate classification.
Comment: This variant is classified as likely benign based on ACMG/AMP sequence variant interpretation guidelines (Richards et al. 2015 PMID: 25741868, with internal and published modifications).